The following is an entry in ClinVar:

NM_001374385.1(ATP8B1):c.941-149G>A

Genes: ATP8B1 (ATPase phospholipid transporting 8B1; minus strand), LOC126862761 (CDK7 strongly-dependent group 2 enhancer GRCh37_chr18:55360919-55362118; plus strand). Cytogenetic location: 18q21.31.
Variant type: single nucleotide variant.
Coding change: c.941-149G>A on transcript NM_001374385.1 (MANE Select); 149 bases into the intron before coding-DNA position 941, G replaced by A.
Molecular consequence: intron variant.
Genome position (GRCh38, 1-based): chr18:57,694,819, C>T on the plus strand (G>A on the coding strand, the complement: ATP8B1 is on the minus strand). VCF-style: chr18-57694819-C-T. GRCh37 (hg19) VCF-style: chr18-55362051-C-T.
Other names: c.941-149G>A (NM_005603.6); c.791-149G>A (NM_001374386.1).
Identifiers: ClinVar variation 4999005 (VCV004999005.1).

ClinVar aggregate classification (germline): Likely benign (1 of 4 stars; one submission).

Conditions:
ATP8B1-related disorder. Also called: ATP8B1-related disorders; ATP8B1-related condition.

gnomAD v4.1: 5 of 698,704 alleles (0.00072%); highest among the groups gnomAD compares: Admixed American, 0.011%; no homozygotes.

Submission:

PreventionGenetics, part of Exact Sciences
Classification: Likely benign for ATP8B1-related condition. Last evaluated: 2025-04-25. Review status: criteria provided, single submitter. Criteria: ACMG Guidelines, 2015. Collection method: clinical testing. Allele origin: germline.
Comment: This variant is classified as likely benign based on ACMG/AMP sequence variant interpretation guidelines (Richards et al. 2015 PMID: 25741868, with internal and published modifications).